The following is an entry in ClinVar:

ClinVar aggregate classification (germline): Likely benign (0 of 4 stars; one submission).

Conditions:
LEPR-related disorder. Also called: LEPR-related condition; LEPR-related disorders.

Submission:

PreventionGenetics, part of Exact Sciences
Classification: Likely benign for LEPR-related condition. Last evaluated: 2024-09-03. Review status: no assertion criteria provided. Collection method: clinical testing. Allele origin: germline.
Comment: This variant is classified as likely benign based on ACMG/AMP sequence variant interpretation guidelines (Richards et al. 2015 PMID: 25741868, with internal and published modifications).

NM_002303.6(LEPR):c.2592C>T (p.His864=)

Gene: LEPR (leptin receptor; plus strand). Cytogenetic location: 1p31.3.
Variant type: single nucleotide variant.
Coding change: c.2592C>T on transcript NM_002303.6 (MANE Select); coding-DNA position 2592, C replaced by T.
Protein change: p.His864=; no amino-acid change (histidine 864 retained).
Molecular consequence: synonymous variant.
Genome position (GRCh38, 1-based): chr1:65,621,453, C>T. VCF-style: chr1-65621453-C-T. GRCh37 (hg19) VCF-style: chr1-66087136-C-T.
Other names: c.2592C>T, p.His864= (NM_001003679.3, NM_001003680.3, NM_001198687.2 and 2 more transcripts).
Identifiers: ClinVar variation 3358079 (VCV003358079.1).
Genomic context (GRCh38, chr1:65,621,453, plus strand): 5'-AATTGTGCCAGTAATTATTTCCTCTTCCATCTTATTGCTTGGAACATTATTAATATCACA[C>T]CAAAGGTATTGTACTTGAGGTTAAGAATCTTTACGGCAAAAGTCCTTACGCGTATTCAAA-3'
Protein context (NP_002294.2, residues 854-874): ILLLGTLLIS[His864=]QRMKKLFWED